The following is an entry in ClinVar:

ClinVar aggregate classification (germline): Likely benign. Review status: criteria provided, multiple submitters, no conflicts (2 of 4 stars). 3 submissions from 3 submitters: Likely benign (2). 1 of the submissions does not count toward it. Last evaluated 2025-08-11.

Conditions:
Hereditary spastic paraplegia 30. Identifiers: Orphanet 101010, MedGen C5235139, MONDO:0012476.
Neuropathy, hereditary sensory, type 2C. Also called: KIF1A-Related HSAN2 (HSAN2C); Hereditary sensory and autonomic neuropathy type IIC. Identifiers: Orphanet 970, MedGen C3280168, MONDO:0013634, OMIM 614213.
Intellectual disability, autosomal dominant 9 (NESCAVS). Also called: KIF1A-Related Neurodevelopmental Disorder; NESCAV SYNDROME. Identifiers: Orphanet 662367, MedGen C5393830, MONDO:0013656, OMIM 614255.
KIF1A-related disorder. Also called: KIF1A-related disorders; KIF1A-related condition.

Allele frequency attached by ClinVar (database versions not stated): gnomAD exomes 0.00001; ExAC 0.00002; gnomAD 0.00002; TOPMed 0.00004; 1000 Genomes Project 30x 0.00016; 1000 Genomes Project 0.00020.
gnomAD v4.1: 14 of 1,613,684 alleles (0.00087%); highest among the groups gnomAD compares: East Asian, 0.0067%; no homozygotes.

Submissions (3):

Labcorp Genetics (formerly Invitae), Labcorp
Classification: Likely benign for Hereditary spastic paraplegia 30; Neuropathy, hereditary sensory, type 2C; Intellectual disability, autosomal dominant 9. Last evaluated: 2025-08-11. Review status: criteria provided, single submitter. Criteria: Invitae Variant Classification Sherloc (09022015). Collection method: clinical testing. Allele origin: germline.

Blueprint Genetics
Classification: Likely benign. Last evaluated: 2019-11-29. Review status: criteria provided, single submitter. Criteria: ACMG Guidelines, 2015. Collection method: clinical testing. Allele origin: germline.

PreventionGenetics, part of Exact Sciences
Classification: Likely benign for KIF1A-related condition. Last evaluated: 2019-08-14. Review status: no assertion criteria provided. Collection method: clinical testing. Allele origin: germline. Not counted in ClinVar's aggregate classification.
Comment: This variant is classified as likely benign based on ACMG/AMP sequence variant interpretation guidelines (Richards et al. 2015 PMID: 25741868, with internal and published modifications).

NM_001244008.2(KIF1A):c.1521C>T (p.Asn507=)

Gene: KIF1A (kinesin family member 1A; minus strand). Cytogenetic location: 2q37.3.
Variant type: single nucleotide variant.
Coding change: c.1521C>T on transcript NM_001244008.2 (MANE Select); coding-DNA position 1521, C replaced by T.
Protein change: p.Asn507=; no amino-acid change (asparagine 507 retained).
Molecular consequence: synonymous variant.
Genome position (GRCh38, 1-based): chr2:240,767,322, G>A on the plus strand (C>T on the coding strand, the complement: KIF1A is on the minus strand). VCF-style: chr2-240767322-G-A. GRCh37 (hg19) VCF-style: chr2-241706739-G-A.
Other names: c.1521C>T (NM_001244008.1); c.1521C>T, p.Asn507= (NM_001320705.2, NM_001330289.2, NM_001379638.1); c.1596C>T, p.Asn532= (NM_001330290.2, NM_001379631.1, NM_001379634.1 and 2 more transcripts); c.1494C>T, p.Asn498= (NM_001379632.1, NM_001379633.1, NM_001379636.1 and 10 more transcripts); c.1569C>T, p.Asn523= (NM_001379637.1, NM_001379648.1).
Identifiers: ClinVar variation 1128465 (VCV001128465.12), dbSNP rs533472375, ClinGen allele CA2208362.
Genomic context (GRCh38, chr2:240,767,322, plus strand): 5'-TCACCTGGTGATCCCATCCTTGATGTAGTAGAGCAGGCACTCAGACATCAGCGGGTCCTC[G>A]TTCAGGTTGACGAGGTGTGGTGTCTGCAGGGAGACAGGAGGATCATCTCTCTTGCAGAGG-3'
Protein context (NP_001230937.1, residues 497-517): PKKTPHLVNL[Asn507=]EDPLMSECLL